The following is an entry in ClinVar:

NM_016239.4(MYO15A):c.7244G>A (p.Arg2415His)

Gene: MYO15A (myosin XVA; plus strand). Cytogenetic location: 17p11.2.
Variant type: single nucleotide variant.
Coding change: c.7244G>A on transcript NM_016239.4 (MANE Select); coding-DNA position 7244, G replaced by A.
Protein change: p.Arg2415His; replaces arginine 2415 with histidine.
Molecular consequence: missense variant.
Genome position (GRCh38, 1-based): chr17:18,150,460, G>A. VCF-style: chr17-18150460-G-A. GRCh37 (hg19) VCF-style: chr17-18053774-G-A.
Other names: short protein forms R2415H.
Identifiers: ClinVar variation 2073074 (VCV002073074.7), dbSNP rs369074496, ClinGen allele CA8424784.

ClinVar aggregate classification (germline): Conflicting classifications of pathogenicity. Review status: criteria provided, conflicting classifications (1 of 4 stars). 4 submissions from 4 submitters: Uncertain significance (3); Likely benign (1). Last evaluated 2025-10-23.

Conditions:
Inborn genetic diseases. Identifiers: MedGen C0950123, MeSH D030342.
MYO15A-related disorder. Also called: MYO15A-related condition.

Allele frequency attached by ClinVar (database versions not stated): ESP Exome Variant Server 0.00008; gnomAD 0.00009; ExAC 0.00016.
gnomAD v4.1: 188 of 1,614,004 alleles (0.012%); highest among the groups gnomAD compares: South Asian, 0.046%; no homozygotes.

Submissions (4):

PreventionGenetics, part of Exact Sciences
Classification: Uncertain significance for MYO15A-related condition. Last evaluated: 2025-10-23. Review status: criteria provided, single submitter. Criteria: ACMG Guidelines, 2015. Collection method: clinical testing. Allele origin: germline.
Comment: The MYO15A c.7244G>A variant is predicted to result in the amino acid substitution p.Arg2415His. To our knowledge, this variant has not been reported in the literature. This variant is reported in 0.042% of alleles in individuals of South Asian descent in gnomAD. At this time, the clinical significance of this variant is uncertain due to the absence of conclusive functional and genetic evidence.

Blueprint Genetics
Classification: Uncertain significance. Last evaluated: 2024-10-01. Review status: criteria provided, single submitter. Criteria: ACMG Guidelines, 2015. Collection method: clinical testing. Allele origin: germline.

Labcorp Genetics (formerly Invitae), Labcorp
Classification: Likely benign. Last evaluated: 2024-05-09. Review status: criteria provided, single submitter. Criteria: Invitae Variant Classification Sherloc (09022015). Collection method: clinical testing. Allele origin: germline.

Ambry Genetics
Classification: Uncertain significance for Inborn genetic diseases. Last evaluated: 2024-01-23. Review status: criteria provided, single submitter. Criteria: Ambry Variant Classification Scheme 2023. Collection method: clinical testing. Allele origin: germline.